The following is an entry in ClinVar:

ClinVar aggregate classification (germline): Uncertain significance (1 of 4 stars; one submission).

Allele frequency attached by ClinVar (database versions not stated): gnomAD exomes 0.00001; ExAC 0.00003; TOPMed 0.00004.
gnomAD v4.1: 4 of 1,599,888 alleles (0.00025%); highest among the groups gnomAD compares: Admixed American, 0.0052%; no homozygotes.

Submission:

Labcorp Genetics (formerly Invitae), Labcorp
Classification: Uncertain significance. Last evaluated: 2021-02-01. Review status: criteria provided, single submitter. Criteria: Invitae Variant Classification Sherloc (09022015). Collection method: clinical testing. Allele origin: germline.
Comment: This variant is present in population databases (rs751481389, ExAC 0.04%). In summary, the available evidence is currently insufficient to determine the role of this variant in disease. Therefore, it has been classified as a Variant of Uncertain Significance. Algorithms developed to predict the effect of missense changes on protein structure and function are either unavailable or do not agree on the potential impact of this missense change (SIFT: "Tolerated"; PolyPhen-2: "Not Available"; Align-GVGD: "Class C0"). This variant has not been reported in the literature in individuals with TMEM132E-related conditions. This sequence change replaces proline with threonine at codon 378 of the TMEM132E protein (p.Pro378Thr). The proline residue is weakly conserved and there is a small physicochemical difference between proline and threonine.

NM_001304438.2(TMEM132E):c.1132C>A (p.Pro378Thr)

Gene: TMEM132E (transmembrane protein 132E; plus strand). Cytogenetic location: 17q12.
Variant type: single nucleotide variant.
Coding change: c.1132C>A on transcript NM_001304438.2 (MANE Select); coding-DNA position 1132, C replaced by A.
Protein change: p.Pro378Thr; replaces proline 378 with threonine.
Molecular consequence: missense variant.
Genome position (GRCh38, 1-based): chr17:34,628,696, C>A. VCF-style: chr17-34628696-C-A. GRCh37 (hg19) VCF-style: chr17-32955715-C-A.
Other names: short protein forms P378T.
Identifiers: ClinVar variation 1520406 (VCV001520406.8), dbSNP rs751481389, ClinGen allele CA8496566.